The following is an entry in ClinVar:

ClinVar aggregate classification (germline): Conflicting classifications of pathogenicity. Review status: criteria provided, conflicting classifications (1 of 4 stars). 2 submissions from 2 submitters: Uncertain significance (1); Likely benign (1). Last evaluated 2025-11-21.

Conditions:
Familial hypobetalipoproteinemia 1. Also called: APOB-Related Familial Hypobetalipoproteinemia; Hypobetalipoproteinemia, normotriglyceridemic; Acanthocytosis with hypobetalipoproteinemia. Identifiers: MedGen C4551990, MONDO:0014252, OMIM 615558.
Hypercholesterolemia, autosomal dominant, type B (FHCL2). Also called: Hyperlipoproteinemia Type IIb; Familial hypercholesterolemia 2; Familial Hypercholesterolemia Type B; APOLIPOPROTEIN B-100, FAMILIAL DEFECTIVE; APOLIPOPROTEIN B-100, FAMILIAL LIGAND-DEFECTIVE; HYPERCHOLESTEROLEMIA, FAMILIAL, DUE TO LIGAND-DEFECTIVE APOLIPOPROTEIN B. Identifiers: MedGen C1704417, MONDO:0007751, OMIM 144010.
Cardiovascular phenotype. Identifiers: MedGen CN230736.

Allele frequency attached by ClinVar (database versions not stated): gnomAD exomes below 0.00001; TOPMed below 0.00001; gnomAD 0.00001.

Submissions (2):

Labcorp Genetics (formerly Invitae), Labcorp
Classification: Likely benign for Familial hypobetalipoproteinemia 1; Hypercholesterolemia, autosomal dominant, type B. Last evaluated: 2025-11-21. Review status: criteria provided, single submitter. Criteria: Invitae Variant Classification Sherloc (09022015). Collection method: clinical testing. Allele origin: germline.

Ambry Genetics
Classification: Uncertain significance for Cardiovascular phenotype. Last evaluated: 2025-04-02. Review status: criteria provided, single submitter. Criteria: Ambry Variant Classification Scheme 2023. Collection method: clinical testing. Allele origin: germline.
Comment: The p.M1391T variant (also known as c.4172T>C), located in coding exon 25 of the APOB gene, results from a T to C substitution at nucleotide position 4172. The methionine at codon 1391 is replaced by threonine, an amino acid with similar properties. This amino acid position is conserved. In addition, this alteration is predicted to be tolerated by in silico analysis. Since supporting evidence is limited at this time, the clinical significance of this alteration remains unclear.

NM_000384.3(APOB):c.4172T>C (p.Met1391Thr)

Gene: APOB (apolipoprotein B; minus strand). Cytogenetic location: 2p24.1.
Variant type: single nucleotide variant.
Coding change: c.4172T>C on transcript NM_000384.3 (MANE Select); coding-DNA position 4172, T replaced by C.
Protein change: p.Met1391Thr; replaces methionine 1391 with threonine.
Molecular consequence: missense variant.
Genome position (GRCh38, 1-based): chr2:21,013,204, A>G on the plus strand (T>C on the coding strand, the complement: APOB is on the minus strand). VCF-style: chr2-21013204-A-G. GRCh37 (hg19) VCF-style: chr2-21236076-A-G.
Other names: short protein forms M1391T.
Identifiers: ClinVar variation 1738430 (VCV001738430.5), dbSNP rs1396671238, ClinGen allele CA346007474.